The following is an entry in ClinVar:

NM_144687.4(NLRP12):c.1108A>G (p.Arg370Gly)

Gene: NLRP12 (NLR family pyrin domain containing 12; minus strand). Cytogenetic location: 19q13.42.
Variant type: single nucleotide variant.
Coding change: c.1108A>G on transcript NM_144687.4 (MANE Select); coding-DNA position 1108, A replaced by G.
Protein change: p.Arg370Gly; replaces arginine 370 with glycine.
Molecular consequence: missense variant.
Genome position (GRCh38, 1-based): chr19:53,810,551, T>C on the plus strand (A>G on the coding strand, the complement: NLRP12 is on the minus strand). VCF-style: chr19-53810551-T-C. GRCh37 (hg19) VCF-style: chr19-54313805-T-C.
Other names: c.1108A>G, p.Arg370Gly (NM_001277126.2, NM_001277129.1); short protein forms R370G.
Identifiers: ClinVar variation 849621 (VCV000849621.9), dbSNP rs2092052099, ClinGen allele CA407414784.

ClinVar aggregate classification (germline): Uncertain significance (1 of 4 stars; one submission).

Conditions:
Familial cold autoinflammatory syndrome 2 (FCAS2). Identifiers: Orphanet 247868, MedGen C2673198, MONDO:0012724, OMIM 611762.

Allele frequency attached by ClinVar (database versions not stated): gnomAD exomes below 0.00001.
gnomAD v4.1: 4 of 1,614,180 alleles (0.00025%); highest among the groups gnomAD compares: South Asian, 0.0011%; no homozygotes.

Submission:

Labcorp Genetics (formerly Invitae), Labcorp
Classification: Uncertain significance for Familial cold autoinflammatory syndrome 2. Last evaluated: 2021-02-24. Review status: criteria provided, single submitter. Criteria: Invitae Variant Classification Sherloc (09022015). Collection method: clinical testing. Allele origin: germline.
Comment: This sequence change replaces arginine with glycine at codon 370 of the NLRP12 protein (p.Arg370Gly). The arginine residue is highly conserved and there is a moderate physicochemical difference between arginine and glycine. This variant is not present in population databases (ExAC no frequency). This variant has not been reported in the literature in individuals with NLRP12-related conditions. Algorithms developed to predict the effect of missense changes on protein structure and function (SIFT, PolyPhen-2, Align-GVGD) all suggest that this variant is likely to be disruptive, but these predictions have not been confirmed by published functional studies and their clinical significance is uncertain. In summary, the available evidence is currently insufficient to determine the role of this variant in disease. Therefore, it has been classified as a Variant of Uncertain Significance.